The following is an entry in ClinVar:

ClinVar aggregate classification (germline): Pathogenic. Review status: criteria provided, multiple submitters, no conflicts (2 of 4 stars). 2 submissions from 2 submitters: Pathogenic (2). Last evaluated 2026-08-01.

Conditions:
Exostoses, multiple, type 2 (EXT2). Also called: Hereditary Multiple Osteochondromatosis, Type II; EXOSTOSES, MULTIPLE, TYPE II. Identifiers: Orphanet 321, MedGen C1851413, MONDO:0007586, OMIM 133701.

Allele frequency attached by ClinVar (database versions not stated): gnomAD exomes below 0.00001.
gnomAD v4.1: 2 of 1,613,510 alleles (0.00012%); highest among the groups gnomAD compares: Non-Finnish European, 0.00017%; no homozygotes.

Submissions (2):

CeGaT Center for Human Genetics Tuebingen
Classification: Pathogenic. Last evaluated: 2026-08-01. Review status: criteria provided, single submitter. Criteria: CeGaT Center For Human Genetics Tuebingen Variant Classification Criteria Version 2. Collection method: clinical testing. Allele origin: germline. Affected: yes. Observed: 1 variant allele.
Comment: EXT2: PVS1, PM2, PS4:Moderate

Labcorp Genetics (formerly Invitae), Labcorp
Classification: Pathogenic for Exostoses, multiple, type 2. Last evaluated: 2025-02-01. Review status: criteria provided, single submitter. Criteria: Invitae Variant Classification Sherloc (09022015). Collection method: clinical testing. Allele origin: germline.
Comment: This sequence change affects an acceptor splice site in intron 6 of the EXT2 gene. It is expected to disrupt RNA splicing. Variants that disrupt the donor or acceptor splice site typically lead to a loss of protein function (PMID: 16199547), and loss-of-function variants in EXT2 are known to be pathogenic (PMID: 10679937, 19810120). This variant is not present in population databases (gnomAD no frequency). Disruption of this splice site has been observed in individual(s) with multiple osteochondromas (PMID: 15586175). Invitae Evidence Modeling of clinical and family history, age, sex, and reported ancestry of multiple individuals with this EXT2 variant has been performed. This variant is expected to be pathogenic with a positive predictive value of at least 99%. This is a validated machine learning model that incorporates the clinical features of 50,122 individuals referred to our laboratory for EXT2 testing. ClinVar contains an entry for this variant (Variation ID: 1376872). Algorithms developed to predict the effect of sequence changes on RNA splicing suggest that this variant may disrupt the consensus splice site. For these reasons, this variant has been classified as Pathogenic.

Literature cited by the submitters: PubMed 16199547 (cited by Labcorp Genetics (formerly Invitae), Labcorp); PubMed 10679937 (cited by Labcorp Genetics (formerly Invitae), Labcorp); PubMed 19810120 (cited by Labcorp Genetics (formerly Invitae), Labcorp); PubMed 15586175 (cited by Labcorp Genetics (formerly Invitae), Labcorp).

NM_207122.2(EXT2):c.1080-2A>G

Gene: EXT2 (exostosin glycosyltransferase 2; plus strand). Cytogenetic location: 11p11.2.
Variant type: single nucleotide variant.
Coding change: c.1080-2A>G on transcript NM_207122.2 (MANE Select); the canonical splice acceptor site of the intron before coding-DNA position 1080, A replaced by G.
Molecular consequence: splice acceptor variant.
Genome position (GRCh38, 1-based): chr11:44,130,043, A>G. VCF-style: chr11-44130043-A-G. GRCh37 (hg19) VCF-style: chr11-44151593-A-G.
Other names: c.1080-2A>G (NM_001389630.1, NM_001178083.3, NM_001389628.1); c.1179-2A>G (NM_000401.3).
Identifiers: ClinVar variation 1376872 (VCV001376872.9), dbSNP rs558968332, ClinGen allele CA221468301.